The following is an entry in ClinVar:

ClinVar aggregate classification (germline): Uncertain significance (1 of 4 stars; one submission).

gnomAD v4.1: 33 of 1,614,086 alleles (0.002%); highest among the groups gnomAD compares: Non-Finnish European, 0.0028%; no homozygotes.

Submission:

Labcorp Genetics (formerly Invitae), Labcorp
Classification: Uncertain significance. Last evaluated: 2025-02-03. Review status: criteria provided, single submitter. Criteria: Invitae Variant Classification Sherloc (09022015). Collection method: clinical testing. Allele origin: germline.
Comment: This sequence change replaces alanine, which is neutral and non-polar, with valine, which is neutral and non-polar, at codon 3213 of the ANK3 protein (p.Ala3213Val). This variant is not present in population databases (gnomAD no frequency). This variant has not been reported in the literature in individuals affected with ANK3-related conditions. An algorithm developed to predict the effect of missense changes on protein structure and function outputs the following: PolyPhen-2: "Benign". The valine amino acid residue is found in multiple mammalian species, which suggests that this missense change does not adversely affect protein function. In summary, the available evidence is currently insufficient to determine the role of this variant in disease. Therefore, it has been classified as a Variant of Uncertain Significance.

NM_020987.5(ANK3):c.9638C>T (p.Ala3213Val)

Gene: ANK3 (ankyrin 3; minus strand). Cytogenetic location: 10q21.2.
Variant type: single nucleotide variant.
Coding change: c.9638C>T on transcript NM_020987.5 (MANE Select); coding-DNA position 9638, C replaced by T.
Protein change: p.Ala3213Val; replaces alanine 3213 with valine.
Molecular consequence: missense variant. On other transcripts: intron variant (4).
Genome position (GRCh38, 1-based): chr10:60,071,243, G>A on the plus strand (C>T on the coding strand, the complement: ANK3 is on the minus strand). VCF-style: chr10-60071243-G-A. GRCh37 (hg19) VCF-style: chr10-61831001-G-A.
Other names: c.1808-3234C>T (NM_001149.4); c.4388-3234C>T (NM_001204403.2); c.4409-3234C>T (NM_001204404.2); c.4406-3234C>T (NM_001320874.2); short protein forms A3213V.
Identifiers: ClinVar variation 3667985 (VCV003667985.2).
Genomic context (GRCh38, chr10:60,071,243, plus strand): 5'-GGCATTTCACGCTCAACTGCTGTTTCCTCCACTGTAGTCTGCTTAAGGGAGGTTGACTTG[G>A]CCTGTTCCTCCTCCTCTGACTCCTCAGAAACCTCGGGAATTGGGCTGGGTTTGCCTGGTA-3'
Protein context (NP_066267.2, residues 3203-3223): VSEESEEEEQ[Ala3213Val]KSTSLKQTTV